The following is an entry in ClinVar:

NM_017882.3(CLN6):c.136G>A (p.Asp46Asn)

Gene: CLN6 (CLN6 transmembrane ER protein; minus strand). Cytogenetic location: 15q23.
Variant type: single nucleotide variant.
Coding change: c.136G>A on transcript NM_017882.3 (MANE Select); coding-DNA position 136, G replaced by A.
Protein change: p.Asp46Asn; replaces aspartic acid 46 with asparagine.
Molecular consequence: missense variant.
Genome position (GRCh38, 1-based): chr15:68,218,598, C>T on the plus strand (G>A on the coding strand, the complement: CLN6 is on the minus strand). VCF-style: chr15-68218598-C-T. GRCh37 (hg19) VCF-style: chr15-68510936-C-T.
Other names: p.D46N:GAC>AAC; short protein forms D46N.
Identifiers: ClinVar variation 205161 (VCV000205161.5), dbSNP rs147623032, ClinGen allele CA313953.
Genomic context (GRCh38, chr15:68,218,598, plus strand): 5'-TGGCAATGGGACGCCCAAAGTCCAGAACCCAGTTCTGCAGTGTGAAGTAGAACCAGAGGT[C>T]GAGGTGGAAGGGAGCCGTGCGGGCAGCCTCATCAGCGCTCACAGAGCCATGCCTGGGAAG-3'
Protein context (NP_060352.1, residues 36-56): EAARTAPFHL[Asp46Asn]LWFYFTLQNW

ClinVar aggregate classification (germline): Uncertain significance. Review status: criteria provided, multiple submitters, no conflicts (2 of 4 stars). 2 submissions from 2 submitters: Uncertain significance (2). Last evaluated 2026-01-27.

Conditions:
Neuronal ceroid lipofuscinosis. Also called: Neuronal Ceroid Lipofuscinoses. Identifiers: Orphanet 216, Orphanet 79263, MedGen C0027877, MONDO:0016295. Disease mechanism: loss of function.

Allele frequency attached by ClinVar (database versions not stated): TOPMed 0.00002; gnomAD 0.00010; ESP Exome Variant Server 0.00015.
gnomAD v4.1: 66 of 1,613,762 alleles (0.0041%); highest among the groups gnomAD compares: East Asian, 0.0089%; no homozygotes.

Submissions (2):

GeneDx
Classification: Uncertain significance. Last evaluated: 2026-01-27. Review status: criteria provided, single submitter. Criteria: GeneDx Variant Classification Process June 2021. Collection method: clinical testing. Allele origin: germline. Affected: yes.
Comment: Not observed at significant frequency in large population cohorts (gnomAD); In silico analysis supports that this missense variant has a deleterious effect on protein structure/function; Has not been previously published as pathogenic or benign to our knowledge

Labcorp Genetics (formerly Invitae), Labcorp
Classification: Uncertain significance for Neuronal ceroid lipofuscinosis. Last evaluated: 2022-06-24. Review status: criteria provided, single submitter. Criteria: Invitae Variant Classification Sherloc (09022015). Collection method: clinical testing. Allele origin: germline.
Comment: This sequence change replaces aspartic acid, which is acidic and polar, with asparagine, which is neutral and polar, at codon 46 of the CLN6 protein (p.Asp46Asn). This variant is present in population databases (rs147623032, gnomAD 0.01%). This variant has not been reported in the literature in individuals affected with CLN6-related conditions. ClinVar contains an entry for this variant (Variation ID: 205161). Algorithms developed to predict the effect of missense changes on protein structure and function are either unavailable or do not agree on the potential impact of this missense change (SIFT: "Tolerated"; PolyPhen-2: "Probably Damaging"; Align-GVGD: "Class C0"). In summary, the available evidence is currently insufficient to determine the role of this variant in disease. Therefore, it has been classified as a Variant of Uncertain Significance.